The following is an entry in ClinVar:

ClinVar aggregate classification (germline): Uncertain significance (1 of 4 stars; one submission).

Conditions:
Episodic ataxia type 2 (EA2). Also called: ACETAZOLAMIDE-RESPONSIVE HEREDITARY PAROXYSMAL CEREBELLAR ATAXIA; ATAXIA, EPISODIC, WITH NYSTAGMUS; ATAXIA, FAMILIAL PAROXYSMAL; CEREBELLAR ATAXIA, PAROXYSMAL, ACETAZOLAMIDE-RESPONSIVE; CEREBELLOPATHY, HEREDITARY PAROXYSMAL; EPISODIC ATAXIA, NYSTAGMUS-ASSOCIATED. Identifiers: Orphanet 97, MedGen C1720416, MONDO:0007163, OMIM 108500.
Developmental and epileptic encephalopathy, 42 (DEE42A). Also called: Epileptic encephalopathy, early infantile, 42; DEVELOPMENTAL AND EPILEPTIC ENCEPHALOPATHY 42A; EPILEPTIC ENCEPHALOPATHY, EARLY INFANTILE, 42A. Identifiers: MedGen C4310716, MONDO:0014917, OMIM 617106.

gnomAD v4.1: 5 of 1,537,318 alleles (0.00033%); highest among the groups gnomAD compares: East Asian, 0.0024%; no homozygotes.

Submission:

Labcorp Genetics (formerly Invitae), Labcorp
Classification: Uncertain significance for Developmental and epileptic encephalopathy, 42; Episodic ataxia type 2. Last evaluated: 2025-08-02. Review status: criteria provided, single submitter. Criteria: Invitae Variant Classification Sherloc (09022015). Collection method: clinical testing. Allele origin: germline.
Comment: This sequence change replaces arginine, which is basic and polar, with glutamine, which is neutral and polar, at codon 2202 of the CACNA1A protein (p.Arg2202Gln). The frequency data for this variant in the population databases is considered unreliable, as metrics indicate poor data quality at this position in the gnomAD database. This variant has not been reported in the literature in individuals affected with CACNA1A-related conditions. Invitae Evidence Modeling of protein sequence and biophysical properties (such as structural, functional, and spatial information, amino acid conservation, physicochemical variation, residue mobility, and thermodynamic stability) indicates that this missense variant is expected to disrupt CACNA1A protein function with a positive predictive value of 80%. In summary, the available evidence is currently insufficient to determine the role of this variant in disease. Therefore, it has been classified as a Variant of Uncertain Significance.

NM_001127222.2(CACNA1A):c.6602G>A (p.Arg2201Gln)

Gene: CACNA1A (calcium voltage-gated channel subunit alpha1 A; minus strand). Cytogenetic location: 19p13.13.
Variant type: single nucleotide variant.
Coding change: c.6602G>A on transcript NM_001127222.2 (MANE Select); coding-DNA position 6602, G replaced by A.
Protein change: p.Arg2201Gln; replaces arginine 2201 with glutamine.
Molecular consequence: missense variant.
Genome position (GRCh38, 1-based): chr19:13,208,934, C>T on the plus strand (G>A on the coding strand, the complement: CACNA1A is on the minus strand). VCF-style: chr19-13208934-C-T. GRCh37 (hg19) VCF-style: chr19-13319748-C-T.
Other names: c.6620G>A, p.Arg2207Gln (NM_000068.4, NM_023035.3); c.6605G>A, p.Arg2202Gln (NM_001127221.2); c.6611G>A, p.Arg2204Gln (NM_001174080.2); short protein forms R2204Q, R2201Q, R2202Q, R2207Q.
Identifiers: ClinVar variation 4789179 (VCV004789179.1).